The following is an entry in ClinVar:

NM_015047.3(EMC1):c.95+2T>A

Gene: EMC1 (ER membrane protein complex subunit 1; minus strand). Cytogenetic location: 1p36.13.
Variant type: single nucleotide variant.
Coding change: c.95+2T>A on transcript NM_015047.3 (MANE Select); the canonical splice donor site of the intron after coding-DNA position 95, T replaced by A.
Molecular consequence: splice donor variant.
Genome position (GRCh38, 1-based): chr1:19,251,413, A>T on the plus strand (T>A on the coding strand, the complement: EMC1 is on the minus strand). VCF-style: chr1-19251413-A-T. GRCh37 (hg19) VCF-style: chr1-19577907-A-T.
Other names: c.95+2T>A (NM_001271429.2, NM_001271427.2, NM_001375821.1 and 2 more transcripts).
Identifiers: ClinVar variation 2110371 (VCV002110371.4), dbSNP rs2093658825, ClinGen allele CA338775381.

ClinVar aggregate classification (germline): Likely pathogenic (1 of 4 stars; one submission).

Allele frequency attached by ClinVar (database versions not stated): gnomAD 0.00001; TOPMed 0.00001.

Submission:

Labcorp Genetics (formerly Invitae), Labcorp
Classification: Likely pathogenic. Last evaluated: 2022-03-12. Review status: criteria provided, single submitter. Criteria: Invitae Variant Classification Sherloc (09022015). Collection method: clinical testing. Allele origin: germline.
Comment: This variant is not present in population databases (gnomAD no frequency). In summary, the currently available evidence indicates that the variant is pathogenic, but additional data are needed to prove that conclusively. Therefore, this variant has been classified as Likely Pathogenic. Algorithms developed to predict the effect of sequence changes on RNA splicing suggest that this variant may disrupt the consensus splice site. This variant has not been reported in the literature in individuals affected with EMC1-related conditions. This sequence change affects a donor splice site in intron 1 of the EMC1 gene. It is expected to disrupt RNA splicing. Variants that disrupt the donor or acceptor splice site typically lead to a loss of protein function (PMID: 16199547), and loss-of-function variants in EMC1 are known to be pathogenic (PMID: 26572623, 26942288, 29271071).

Literature cited by the submitters: PubMed 16199547; PubMed 26572623; PubMed 26942288; PubMed 29271071.